The following is an entry in ClinVar:

NM_017415.3(KLHL3):c.1573A>G (p.Met525Val)

Gene: KLHL3 (kelch like family member 3; minus strand). Cytogenetic location: 5q31.2.
Variant type: single nucleotide variant.
Coding change: c.1573A>G on transcript NM_017415.3 (MANE Select); coding-DNA position 1573, A replaced by G.
Protein change: p.Met525Val; replaces methionine 525 with valine.
Molecular consequence: missense variant.
Genome position (GRCh38, 1-based): chr5:137,628,315, T>C on the plus strand (A>G on the coding strand, the complement: KLHL3 is on the minus strand). VCF-style: chr5-137628315-T-C. GRCh37 (hg19) VCF-style: chr5-136964004-T-C.
Other names: c.1477A>G, p.Met493Val (NM_001257194.1); c.1327A>G, p.Met443Val (NM_001257195.2); short protein forms M525V, M443V, M493V.
Identifiers: ClinVar variation 3700836 (VCV003700836.2).

ClinVar aggregate classification (germline): Uncertain significance (1 of 4 stars; one submission).

gnomAD v4.1: 3 of 1,614,086 alleles (0.00019%); highest among the groups gnomAD compares: Non-Finnish European, 0.00025%; no homozygotes.

Submission:

Labcorp Genetics (formerly Invitae), Labcorp
Classification: Uncertain significance. Last evaluated: 2024-06-23. Review status: criteria provided, single submitter. Criteria: Invitae Variant Classification Sherloc (09022015). Collection method: clinical testing. Allele origin: germline.
Comment: This sequence change replaces methionine, which is neutral and non-polar, with valine, which is neutral and non-polar, at codon 525 of the KLHL3 protein (p.Met525Val). This variant is not present in population databases (gnomAD no frequency). This variant has not been reported in the literature in individuals affected with KLHL3-related conditions. Advanced modeling of protein sequence and biophysical properties (such as structural, functional, and spatial information, amino acid conservation, physicochemical variation, residue mobility, and thermodynamic stability) performed at Invitae indicates that this missense variant is not expected to disrupt KLHL3 protein function with a negative predictive value of 80%. In summary, the available evidence is currently insufficient to determine the role of this variant in disease. Therefore, it has been classified as a Variant of Uncertain Significance.